The following is an entry in ClinVar:

NM_015378.4(VPS13D):c.12989C>T (p.Thr4330Met)

Gene: VPS13D (vacuolar protein sorting 13 homolog D; plus strand). Cytogenetic location: 1p36.21.
Variant type: single nucleotide variant.
Coding change: c.12989C>T on transcript NM_015378.4 (MANE Select); coding-DNA position 12989, C replaced by T.
Protein change: p.Thr4330Met; replaces threonine 4330 with methionine.
Molecular consequence: missense variant.
Genome position (GRCh38, 1-based): chr1:12,507,047, C>T. VCF-style: chr1-12507047-C-T. GRCh37 (hg19) VCF-style: chr1-12567101-C-T.
Other names: c.12989C>T (NM_015378.3); c.12914C>T, p.Thr4305Met (NM_018156.4); short protein forms T4330M, T4305M.
Identifiers: ClinVar variation 2176379 (VCV002176379.4), dbSNP rs34128167, ClinGen allele CA604350.
Genomic context (GRCh38, chr1:12,507,047, plus strand): 5'-GCCTTGTCTCCAAAGACCATGGGAAGGTGTATGTGCAGGTGACCAAGAAAGCCGTGAGCA[C>T]GAGCAGTGGAGTGTCCATCCCCGGCCCCTCCCACCAGAAGCCCATGGTGAGTGCCTGGCT-3'
Protein context (NP_056193.2, residues 4320-4340): YVQVTKKAVS[Thr4330Met]SSGVSIPGPS

ClinVar aggregate classification (germline): Uncertain significance. Review status: criteria provided, multiple submitters, no conflicts (2 of 4 stars). 2 submissions from 2 submitters: Uncertain significance (2). Last evaluated 2026-04-15.

Allele frequency attached by ClinVar (database versions not stated): ExAC 0.00001; TOPMed 0.00002; gnomAD 0.00001; ESP Exome Variant Server 0.00008.
gnomAD v4.1: 36 of 1,614,248 alleles (0.0022%); highest among the groups gnomAD compares: South Asian, 0.0044%; no homozygotes.

Submissions (2):

GeneDx
Classification: Uncertain significance. Last evaluated: 2026-04-15. Review status: criteria provided, single submitter. Criteria: GeneDx Variant Classification Process June 2021. Collection method: clinical testing. Allele origin: germline.
Comment: Not observed at significant frequency in large population cohorts (gnomAD); In silico analysis supports that this missense variant has a deleterious effect on protein structure/function; Has not been previously published as pathogenic or benign to our knowledge

Labcorp Genetics (formerly Invitae), Labcorp
Classification: Uncertain significance. Last evaluated: 2022-03-12. Review status: criteria provided, single submitter. Criteria: Invitae Variant Classification Sherloc (09022015). Collection method: clinical testing. Allele origin: germline.
Comment: This variant has not been reported in the literature in individuals affected with VPS13D-related conditions. This sequence change replaces threonine, which is neutral and polar, with methionine, which is neutral and non-polar, at codon 4330 of the VPS13D protein (p.Thr4330Met). This variant is present in population databases (rs34128167, gnomAD 0.003%). Algorithms developed to predict the effect of missense changes on protein structure and function are either unavailable or do not agree on the potential impact of this missense change (SIFT: "Tolerated"; PolyPhen-2: "Possibly Damaging"; Align-GVGD: "Class C0"). In summary, the available evidence is currently insufficient to determine the role of this variant in disease. Therefore, it has been classified as a Variant of Uncertain Significance.